The following is an entry in ClinVar:

ClinVar aggregate classification (germline): Uncertain significance. Review status: criteria provided, multiple submitters, no conflicts (2 of 4 stars). 2 submissions from 2 submitters: Uncertain significance (2). Last evaluated 2024-08-09.

Allele frequency attached by ClinVar (database versions not stated): TOPMed below 0.00001.

Submissions (2):

Dasa
Classification: Uncertain significance. Last evaluated: 2024-08-09. Review status: criteria provided, single submitter. Criteria: DASA Assertion Criteria. Collection method: clinical testing. Allele origin: germline.
Comment: NM_000093.5(COL5A1):c.4235A>T (p.Glu1412Val) is a missense variant that results in the substitution of glutamic acid with valine. This variant is absent from population databases. Computational prediction algorithms are consistent with a deleterious effect. The currently available literature and clinical evidence are not sufficient to establish a definitive association between this variant and the reported condition. Therefore, this variant is classified as a variant of uncertain significance.

GeneDx
Classification: Uncertain significance. Last evaluated: 2021-04-20. Review status: criteria provided, single submitter. Criteria: GeneDx Variant Classification Process June 2021. Collection method: clinical testing. Allele origin: germline. Affected: yes.
Comment: Has not been previously published as pathogenic or benign to our knowledge; Not observed in large population cohorts (Lek et al., 2016); In silico analysis supports that this missense variant has a deleterious effect on protein structure/function; Occurs in the triple helical domain at the X position in the canonical Gly-X-Y repeat; although this variant may have an effect on normal protein folding and function, missense substitution at the X position is not a common mechanism of disease (Symoens et al., 2012; Stenson et al., 2014)

NM_000093.5(COL5A1):c.4235A>T (p.Glu1412Val)

Gene: COL5A1 (collagen type V alpha 1 chain; plus strand). Cytogenetic location: 9q34.3.
Variant type: single nucleotide variant.
Coding change: c.4235A>T on transcript NM_000093.5 (MANE Select); coding-DNA position 4235, A replaced by T.
Protein change: p.Glu1412Val; replaces glutamic acid 1412 with valine.
Molecular consequence: missense variant.
Genome position (GRCh38, 1-based): chr9:134,818,660, A>T. VCF-style: chr9-134818660-A-T. GRCh37 (hg19) VCF-style: chr9-137710506-A-T.
Other names: c.4235A>T, p.Glu1412Val (NM_001278074.1); short protein forms E1412V.
Identifiers: ClinVar variation 1318780 (VCV001318780.4), dbSNP rs1838863376, ClinGen allele CA375457080.